The following is an entry in ClinVar:

NM_000051.4(ATM):c.2274A>C (p.Glu758Asp)

Gene: ATM (ATM serine/threonine kinase; plus strand). Cytogenetic location: 11q22.3.
Variant type: single nucleotide variant.
Coding change: c.2274A>C on transcript NM_000051.4 (MANE Select); coding-DNA position 2274, A replaced by C.
Protein change: p.Glu758Asp; replaces glutamic acid 758 with aspartic acid.
Molecular consequence: missense variant.
Genome position (GRCh38, 1-based): chr11:108,257,504, A>C. VCF-style: chr11-108257504-A-C. GRCh37 (hg19) VCF-style: chr11-108128231-A-C.
Other names: c.2274A>C, p.Glu758Asp (NM_001351834.2); short protein forms E758D.
Identifiers: ClinVar variation 820930 (VCV000820930.4), dbSNP rs1591546306, ClinGen allele CA382539631.

ClinVar aggregate classification (germline): Uncertain significance (1 of 4 stars; one submission).

Conditions:
Hereditary cancer-predisposing syndrome. Also called: Neoplastic Syndromes, Hereditary; Tumor predisposition; Hereditary Cancer Syndrome; Hereditary neoplastic syndrome. Identifiers: Orphanet 140162, MedGen C0027672, MeSH D009386, MONDO:0015356.

Submission:

Ambry Genetics
Classification: Uncertain significance for Hereditary cancer-predisposing syndrome. Last evaluated: 2019-05-14. Review status: criteria provided, single submitter. Criteria: Ambry Variant Classification Scheme 2023. Collection method: clinical testing. Allele origin: germline.
Comment: The p.E758D variant (also known as c.2274A>C), located in coding exon 14 of the ATM gene, results from an A to C substitution at nucleotide position 2274. The glutamic acid at codon 758 is replaced by aspartic acid, an amino acid with highly similar properties. This amino acid position is well conserved in available vertebrate species. In addition, the in silico prediction for this alteration is inconclusive. Since supporting evidence is limited at this time, the clinical significance of this alteration remains unclear.